The following is an entry in ClinVar:

ClinVar aggregate classification (germline): Likely benign. Review status: criteria provided, multiple submitters, no conflicts (2 of 4 stars). 3 submissions from 3 submitters: Likely benign (3). Last evaluated 2025-12-01.

Conditions:
RASopathy. Also called: Noonan spectrum disorder; rasopathies. Identifiers: Orphanet 536391, MedGen C5555857, MONDO:0021060.

Allele frequency attached by ClinVar (database versions not stated): gnomAD 0.00001; gnomAD exomes 0.00001; TOPMed 0.00002.
gnomAD v4.1: 5 of 1,613,998 alleles (0.00031%); highest among the groups gnomAD compares: Admixed American, 0.0083%; no homozygotes.

Submissions (3):

Labcorp Genetics (formerly Invitae), Labcorp
Classification: Likely benign for RASopathy. Last evaluated: 2025-12-01. Review status: criteria provided, single submitter. Criteria: Invitae Variant Classification Sherloc (09022015). Collection method: clinical testing. Allele origin: germline.

Women's Health and Genetics/Laboratory Corporation of America, LabCorp
Classification: Likely benign. Last evaluated: 2024-02-11. Review status: criteria provided, single submitter. Criteria: LabCorp Variant Classification Summary - May 2015. Collection method: clinical testing. Allele origin: germline.

GeneDx
Classification: Likely benign. Last evaluated: 2017-02-14. Review status: criteria provided, single submitter. Criteria: GeneDx Variant Classification (06012015). Collection method: clinical testing. Allele origin: germline. Affected: yes.
Comment: This variant is considered likely benign or benign based on one or more of the following criteria: it is a conservative change, it occurs at a poorly conserved position in the protein, it is predicted to be benign by multiple in silico algorithms, and/or has population frequency not consistent with disease.

NM_002880.4(RAF1):c.1689A>G (p.Arg563=)

Gene: RAF1 (Raf-1 proto-oncogene, serine/threonine kinase; minus strand). Cytogenetic location: 3p25.2.
Variant type: single nucleotide variant.
Coding change: c.1689A>G on transcript NM_002880.4 (MANE Select); coding-DNA position 1689, A replaced by G.
Protein change: p.Arg563=; no amino-acid change (arginine 563 retained).
Molecular consequence: synonymous variant. On other transcripts: non-coding transcript variant (3).
Genome position (GRCh38, 1-based): chr3:12,584,961, T>C on the plus strand (A>G on the coding strand, the complement: RAF1 is on the minus strand). VCF-style: chr3-12584961-T-C. GRCh37 (hg19) VCF-style: chr3-12626460-T-C.
Other names: c.1749A>G, p.Arg583= (NM_001354689.3); c.1689A>G, p.Arg563= (NM_001354690.3); c.1446A>G, p.Arg482= (NM_001354691.3, NM_001354692.3); c.1590A>G, p.Arg530= (NM_001354693.3); c.1506A>G, p.Arg502= (NM_001354694.3); c.1347A>G, p.Arg449= (NM_001354695.3).
Identifiers: ClinVar variation 516880 (VCV000516880.9), dbSNP rs1358420019, ClinGen allele CA432522059.